The following is an entry in ClinVar:

NM_033054.3(MYO1G):c.3054C>T (p.Arg1018=)

Gene: MYO1G (myosin IG; minus strand). Cytogenetic location: 7p13.
Variant type: single nucleotide variant.
Coding change: c.3054C>T on transcript NM_033054.3 (MANE Select); coding-DNA position 3054, C replaced by T.
Protein change: p.Arg1018=; no amino-acid change (arginine 1018 retained).
Molecular consequence: synonymous variant.
Genome position (GRCh38, 1-based): chr7:44,962,742, G>A on the plus strand (C>T on the coding strand, the complement: MYO1G is on the minus strand). VCF-style: chr7-44962742-G-A. GRCh37 (hg19) VCF-style: chr7-45002341-G-A.
Identifiers: ClinVar variation 4534820 (VCV004534820.6).

ClinVar aggregate classification (germline): Likely benign (1 of 4 stars; one submission).

Submission:

CeGaT Center for Human Genetics Tuebingen
Classification: Likely benign. Last evaluated: 2025-09-01. Review status: criteria provided, single submitter. Criteria: CeGaT Center For Human Genetics Tuebingen Variant Classification Criteria Version 2. Collection method: clinical testing. Allele origin: germline. Affected: yes. Observed: 1 variant allele.
Comment: MYO1G: PM2:Supporting, BP4, BP7